The following is an entry in ClinVar:

ClinVar aggregate classification (germline): Conflicting classifications of pathogenicity. Review status: criteria provided, conflicting classifications (1 of 4 stars). 4 submissions from 4 submitters: Uncertain significance (2); Likely benign (2). Last evaluated 2026-02-11.

Conditions:
Ehlers-Danlos syndrome, classic type, 1 (EDSCL1). Also called: EDS I; EHLERS-DANLOS SYNDROME, GRAVIS TYPE; EHLERS-DANLOS SYNDROME, SEVERE CLASSIC TYPE; Ehlers-Danlos Syndrome, Classic Type, COL5A1-Related; Ehlers-Danlos syndrome, type 1. Identifiers: MedGen C0268335, MONDO:0019567, OMIM 130000.
Ehlers-Danlos syndrome, classic type (cEDS). Identifiers: Orphanet 287, MedGen C4225429, MONDO:0007522.

Allele frequency attached by ClinVar (database versions not stated): TOPMed 0.00001; ExAC 0.00002; gnomAD exomes 0.00002.
gnomAD v4.1: 8 of 1,613,996 alleles (0.0005%); highest among the groups gnomAD compares: East Asian, 0.018%; no homozygotes.

Submissions (4):

GeneDx
Classification: Uncertain significance. Last evaluated: 2026-02-11. Review status: criteria provided, single submitter. Criteria: GeneDx Variant Classification Process June 2021. Collection method: clinical testing. Allele origin: germline.
Comment: Has not been previously published as pathogenic or benign to our knowledge; In silico analysis supports that this missense variant has a deleterious effect on protein structure/function; Occurs in the triple helical domain at the Y position in the canonical Gly-X-Y repeat; although this variant may have an effect on normal protein folding and function, missense substitution at the Y position is not a common mechanism of disease (PMID: 22696272; HGMD); This variant is associated with the following publications: (PMID: 22696272)

Labcorp Genetics (formerly Invitae), Labcorp
Classification: Likely benign for Ehlers-Danlos syndrome, classic type, 1. Last evaluated: 2025-10-08. Review status: criteria provided, single submitter. Criteria: Invitae Variant Classification Sherloc (09022015). Collection method: clinical testing. Allele origin: germline.

Revvity Omics, Revvity
Classification: Uncertain significance. Last evaluated: 2021-11-23. Review status: criteria provided, single submitter. Criteria: ACMG Guidelines, 2015. Collection method: clinical testing. Allele origin: germline.

Illumina Laboratory Services, Illumina
Classification: Likely benign for Ehlers-Danlos syndrome, classic type, 1. Last evaluated: 2018-01-13. Review status: criteria provided, single submitter. Criteria: ICSL Variant Classification Criteria 13 December 2019. Collection method: clinical testing. Allele origin: germline.
Comment: This variant was observed in the ICSL laboratory as part of a predisposition screen in an ostensibly healthy population. It had not been previously curated by ICSL or reported in the Human Gene Mutation Database (HGMD: prior to June 1st, 2018), and was therefore a candidate for classification through an automated scoring system. Utilizing variant allele frequency, disease prevalence and penetrance estimates, and inheritance mode, an automated score was calculated to assess if this variant is too frequent to cause the disease. Based on the score and internal cut-off values, a variant classified as likely benign is not then subjected to further curation. The score for this variant resulted in a classification of likely benign for this disease.

NM_000093.5(COL5A1):c.2293C>T (p.Pro765Ser)

Gene: COL5A1 (collagen type V alpha 1 chain; plus strand). Cytogenetic location: 9q34.3.
Variant type: single nucleotide variant.
Coding change: c.2293C>T on transcript NM_000093.5 (MANE Select); coding-DNA position 2293, C replaced by T.
Protein change: p.Pro765Ser; replaces proline 765 with serine.
Molecular consequence: missense variant.
Genome position (GRCh38, 1-based): chr9:134,772,796, C>T. VCF-style: chr9-134772796-C-T. GRCh37 (hg19) VCF-style: chr9-137664642-C-T.
Other names: c.2293C>T, p.Pro765Ser (NM_001278074.1); c.2293C>T (NM_000093.3); short protein forms P765S.
Identifiers: ClinVar variation 912549 (VCV000912549.9), dbSNP rs766839110, ClinGen allele CA5319268.